The following is an entry in ClinVar:

ClinVar aggregate classification (germline): Pathogenic (1 of 4 stars; one submission).

Conditions:
Pitt-Hopkins syndrome (PTHS). Also called: ENCEPHALOPATHY, SEVERE EPILEPTIC, WITH AUTONOMIC DYSFUNCTION; MENTAL RETARDATION, SYNDROMAL, WITH INTERMITTENT HYPERVENTILATION. Identifiers: Orphanet 2896, MedGen C1970431, MONDO:0012589, OMIM 610954.

Submission:

Labcorp Genetics (formerly Invitae), Labcorp
Classification: Pathogenic for Pitt-Hopkins syndrome. Last evaluated: 2021-02-26. Review status: criteria provided, single submitter. Criteria: Invitae Variant Classification Sherloc (09022015). Collection method: clinical testing. Allele origin: germline.
Comment: This sequence change creates a premature translational stop signal (p.Thr210Asnfs*6) in the TCF4 gene. It is expected to result in an absent or disrupted protein product. Loss-of-function variants in TCF4 are known to be pathogenic (PMID: 18728071, 22045651). For these reasons, this variant has been classified as Pathogenic. This variant has not been reported in the literature in individuals with TCF4-related conditions. This variant is not present in population databases (ExAC no frequency).

Literature cited by the submitters: PubMed 18728071; PubMed 22045651.

NM_001083962.2(TCF4):c.622_628dup (p.Thr210fs)

Gene: TCF4 (transcription factor 4; minus strand). Cytogenetic location: 18q21.2.
Variant type: Microsatellite.
Coding change: c.622_628dup on transcript NM_001083962.2 (MANE Select); coding-DNA positions 622 to 628, 7 bases duplicated (ACCAGCA; older notation c.622_628dupACCAGCA).
Protein change: p.Thr210fs; shifts the reading frame from threonine 210.
Molecular consequence: frameshift variant. On other transcripts: 5 prime UTR variant (1).
Genome position (GRCh38, 1-based): chr18:55,279,578-55,279,584, TGCTGGT duplicated on the plus strand (ACCAGCA on the coding strand, the reverse complement: TCF4 is on the minus strand); duplicating any 7 consecutive bases within chr18:55,279,578-55,279,592 gives the same sequence; the c. name uses the placement nearest the transcript's 3' end. VCF-style (leftmost placement, unchanged base first): chr18-55279577-G-GTGCTGGT. GRCh37 (hg19) VCF-style: chr18-52946808-G-GTGCTGGT.
Other names: c.547_553dup, p.Thr185fs (NM_001369581.1, NM_001348220.1, NM_001369576.1 and 3 more transcripts); c.550_556dup, p.Thr186fs (NM_001348217.1, NM_001348218.2, NM_001348219.2 and 9 more transcripts); c.622_628dup, p.Thr210fs (NM_001369567.1, NM_001369568.1, NM_001369571.1 and 4 more transcripts); c.619_625dup, p.Thr209fs (NM_001369569.1, NM_001369570.1, NM_001369573.1); c.928_934dup, p.Thr312fs (NM_001243226.3); c.640_646dup, p.Thr216fs (NM_001243228.2); c.616_622dup, p.Thr208fs (NM_001243230.2); c.496_502dup, p.Thr168fs (NM_001243231.2, NM_001348211.2); and 4 more; short protein forms T186fs, T209fs, T185fs, T208fs, T50fs, T168fs, T216fs, T312fs.
Identifiers: ClinVar variation 1423223 (VCV001423223.6), dbSNP rs2146264329, ClinGen allele CA2580613003.